The following is an entry in ClinVar:

ClinVar aggregate classification (germline): Conflicting classifications of pathogenicity. Review status: criteria provided, conflicting classifications (1 of 4 stars). 6 submissions from 6 submitters: Pathogenic (1); Likely pathogenic (1); Uncertain significance (3). 1 of the submissions does not count toward it. Last evaluated 2025-11-03.

Conditions:
CHD7-related disorder. Also called: CHD7-related condition.
CHD7-related CHARGE syndrome. Identifiers: MedGen CN380413, MONDO:1010178, OMIM 214800.
CHARGE syndrome (CHARGE). Also called: Coloboma, heart anomaly, choanal atresia, retardation, genital and ear anomalies; CHARGE association; Hall-Hittner syndrome; Hittner Hirsch Kreh syndrome; CHARGE ASSOCIATION--COLOBOMA, HEART ANOMALY, CHOANAL ATRESIA, RETARDATION, GENITAL AND EAR ANOMALIES. Identifiers: Orphanet 138, MedGen C0265354, MONDO:0008965.

Allele frequency attached by ClinVar (database versions not stated): TOPMed 0.00002; gnomAD 0.00003 and 0.00004.
gnomAD v4.1: 41 of 1,609,340 alleles (0.0025%); highest among the groups gnomAD compares: Admixed American, 0.0051%; no homozygotes.

Submissions (6):

Variantyx, Inc.
Classification: Likely pathogenic for CHD7-related CHARGE syndrome. Last evaluated: 2025-11-03. Review status: criteria provided, single submitter. Criteria: Variantyx Assertion Criteria 2022. Collection method: clinical testing. Allele origin: germline. Inheritance: Autosomal recessive inheritance. Affected: yes.
Comment: This is a nonsynonymous variant in the CHD7 gene (OMIM: 608892). Pathogenic variants in this gene have been associated with autosomal dominant CHD7-related disorders. This variant has been reported in the heterozygous state in at least one unrelated individual with idiopathic hypogonadotropic hypogonadism (IHH) 5 (PMID: 25472840). An alternate amino acid change at this position (p.Gly1845Glu) has been previously reported in similarly affected individuals, which suggests that this residue is biologically important (PMID: 16155193) (PM5). Functional studies have shown that this variant alters CHD7 protein function (PMID: 25472840) (PS3), and multiple computational algorithms predict a deleterious effect for this variant (REVEL score: 0.799) (PP3). This variant has a 0.0051% maximum allele frequency in non-founder control populations (PM2). Based on the current evidence, this variant is classified as likely pathogenic for autosomal dominant CHD7-related disorders.

Labcorp Genetics (formerly Invitae), Labcorp
Classification: Uncertain significance for CHARGE syndrome. Last evaluated: 2025-06-08. Review status: criteria provided, single submitter. Criteria: Invitae Variant Classification Sherloc (09022015). Collection method: clinical testing. Allele origin: germline.
Comment: This sequence change replaces glycine, which is neutral and non-polar, with arginine, which is basic and polar, at codon 1845 of the CHD7 protein (p.Gly1845Arg). This variant is present in population databases (rs753347128, gnomAD 0.05%). This missense change has been observed in individual(s) with Kallman syndrome (PMID: 25472840). ClinVar contains an entry for this variant (Variation ID: 633686). An algorithm developed to predict the effect of missense changes on protein structure and function (PolyPhen-2) suggests that this variant is likely to be disruptive. Experimental studies have shown that this missense change affects CHD7 function (PMID: 25472840). In summary, the available evidence is currently insufficient to determine the role of this variant in disease. Therefore, it has been classified as a Variant of Uncertain Significance.

PreventionGenetics, part of Exact Sciences
Classification: Uncertain significance for CHD7-related condition. Last evaluated: 2025-03-17. Review status: criteria provided, single submitter. Criteria: ACMG Guidelines, 2015. Collection method: clinical testing. Allele origin: germline.
Comment: The CHD7 c.5533G>A variant is predicted to result in the amino acid substitution p.Gly1845Arg. This variant was reported in an individual with Kallmann syndrome, and functional studies suggest it results in a partial loss of function (Balasubramanian et al. 2014. PubMed ID: 25472840). This variant has also been reported in two individuals in a control cohort (Rasouly et al. 2018. PubMed ID: 30476936). This variant is reported in 0.049% of alleles in individuals of Ashkenazi Jewish descent in gnomAD. At this time, the clinical significance of this variant is uncertain due to the absence of conclusive functional and genetic evidence.

Laboratory of Prof. Karen Avraham, Tel Aviv University
Classification: Pathogenic for CHD7-related CHARGE syndrome. Last evaluated: 2024-05-01. Review status: criteria provided, single submitter. Criteria: ACMG Guidelines, 2015. Collection method: research. Allele origin: germline. Affected: yes. Observed: 1 variant allele.
Comment: Pathogenic by Deafness Variation Database based on PMID: 25472840

Autosomal dominant; high-tone HL, normal-moderate.

Blueprint Genetics
Classification: Uncertain significance. Last evaluated: 2024-04-19. Review status: criteria provided, single submitter. Criteria: ACMG Guidelines, 2015. Collection method: clinical testing. Allele origin: germline.

Gharavi Laboratory, Columbia University
Classification: Uncertain significance. Last evaluated: 2018-09-16. Review status: no assertion criteria provided. Criteria: ACMG Guidelines, 2015. Collection method: research. Allele origin: germline. Affected: no. Not counted in ClinVar's aggregate classification.

Literature cited by the submitters: PubMed 16155193 (cited by Variantyx, Inc.); PubMed 25472840 (cited by Variantyx, Inc. and Labcorp Genetics (formerly Invitae), Labcorp).

NM_017780.4(CHD7):c.5533G>A (p.Gly1845Arg)

Gene: CHD7 (chromodomain helicase DNA binding protein 7; plus strand). Cytogenetic location: 8q12.2.
Variant type: single nucleotide variant.
Coding change: c.5533G>A on transcript NM_017780.4 (MANE Select); coding-DNA position 5533, G replaced by A.
Protein change: p.Gly1845Arg; replaces glycine 1845 with arginine.
Molecular consequence: missense variant. On other transcripts: intron variant (1).
Genome position (GRCh38, 1-based): chr8:60,850,621, G>A. VCF-style: chr8-60850621-G-A. GRCh37 (hg19) VCF-style: chr8-61763180-G-A.
Other names: c.1717-11608G>A (NM_001316690.1); short protein forms G1845R.
Identifiers: ClinVar variation 633686 (VCV000633686.13), dbSNP rs753347128, ClinGen allele CA4760388.